The following is an entry in ClinVar:

NM_001372.4(DNAH9):c.8331G>C (p.Leu2777Phe)

Gene: DNAH9 (dynein axonemal heavy chain 9; plus strand). Cytogenetic location: 17p12.
Variant type: single nucleotide variant.
Coding change: c.8331G>C on transcript NM_001372.4 (MANE Select); coding-DNA position 8331, G replaced by C.
Protein change: p.Leu2777Phe; replaces leucine 2777 with phenylalanine.
Molecular consequence: missense variant.
Genome position (GRCh38, 1-based): chr17:11,797,704, G>C. VCF-style: chr17-11797704-G-C. GRCh37 (hg19) VCF-style: chr17-11701021-G-C.
Other names: short protein forms L2777F.
Identifiers: ClinVar variation 2351212 (VCV002351212.3), dbSNP rs368759713, ClinGen allele CA8396888.

ClinVar aggregate classification (germline): Uncertain significance. Review status: criteria provided, multiple submitters, no conflicts (2 of 4 stars). 2 submissions from 2 submitters: Uncertain significance (2). Last evaluated 2024-11-21.

Conditions:
Inborn genetic diseases. Identifiers: MedGen C0950123, MeSH D030342.

Allele frequency attached by ClinVar (database versions not stated): ExAC 0.00005; ESP Exome Variant Server 0.00015; 1000 Genomes Project 0.00020; 1000 Genomes Project 30x 0.00031.
gnomAD v4.1: 46 of 1,614,160 alleles (0.0028%); highest among the groups gnomAD compares: African/African-American, 0.057%; no homozygotes.

Submissions (2):

Labcorp Genetics (formerly Invitae), Labcorp
Classification: Uncertain significance. Last evaluated: 2024-11-21. Review status: criteria provided, single submitter. Criteria: Invitae Variant Classification Sherloc (09022015). Collection method: clinical testing. Allele origin: germline.
Comment: This sequence change replaces leucine, which is neutral and non-polar, with phenylalanine, which is neutral and non-polar, at codon 2777 of the DNAH9 protein (p.Leu2777Phe). This variant is present in population databases (rs368759713, gnomAD 0.06%). This variant has not been reported in the literature in individuals affected with DNAH9-related conditions. ClinVar contains an entry for this variant (Variation ID: 2351212). Invitae Evidence Modeling of protein sequence and biophysical properties (such as structural, functional, and spatial information, amino acid conservation, physicochemical variation, residue mobility, and thermodynamic stability) has been performed for this missense variant. However, the output from this modeling did not meet the statistical confidence thresholds required to predict the impact of this variant on DNAH9 protein function. In summary, the available evidence is currently insufficient to determine the role of this variant in disease. Therefore, it has been classified as a Variant of Uncertain Significance.

Ambry Genetics
Classification: Uncertain significance for Inborn genetic diseases. Last evaluated: 2024-02-27. Review status: criteria provided, single submitter. Criteria: Ambry Variant Classification Scheme 2023. Collection method: clinical testing. Allele origin: germline.